The following is an entry in ClinVar:

ClinVar aggregate classification (germline): Uncertain significance (1 of 4 stars; one submission).

Conditions:
Cornelia de Lange syndrome 5 (CDLS5). Also called: HDAC8-Related Cornelia de Lange Syndrome. Identifiers: Orphanet 199, MedGen C3550903, MONDO:0010471, OMIM 300882.

Allele frequency attached by ClinVar (database versions not stated): TOPMed below 0.00001; gnomAD 0.00001.
gnomAD v4.1: 1 of 1,185,956 alleles (0.000084%); highest among the groups gnomAD compares: East Asian, 0.003%; no homozygotes.

Submission:

Labcorp Genetics (formerly Invitae), Labcorp
Classification: Uncertain significance for Cornelia de Lange syndrome 5. Last evaluated: 2022-10-19. Review status: criteria provided, single submitter. Criteria: Invitae Variant Classification Sherloc (09022015). Collection method: clinical testing. Allele origin: germline.
Comment: In summary, the available evidence is currently insufficient to determine the role of this variant in disease. Therefore, it has been classified as a Variant of Uncertain Significance. Advanced modeling of protein sequence and biophysical properties (such as structural, functional, and spatial information, amino acid conservation, physicochemical variation, residue mobility, and thermodynamic stability) performed at Invitae indicates that this missense variant is not expected to disrupt HDAC8 protein function. This sequence change replaces lysine, which is basic and polar, with asparagine, which is neutral and polar, at codon 239 of the HDAC8 protein (p.Lys239Asn). This variant is not present in population databases (gnomAD no frequency). This variant has not been reported in the literature in individuals affected with HDAC8-related conditions.

NM_018486.3(HDAC8):c.717A>T (p.Lys239Asn)

Gene: HDAC8 (histone deacetylase 8; minus strand). Cytogenetic location: Xq13.1.
Variant type: single nucleotide variant.
Coding change: c.717A>T on transcript NM_018486.3 (MANE Select); coding-DNA position 717, A replaced by T.
Protein change: p.Lys239Asn; replaces lysine 239 with asparagine.
Molecular consequence: missense variant. On other transcripts: non-coding transcript variant (1).
Genome position (GRCh38, 1-based): chrX:72,488,953, T>A on the plus strand (A>T on the coding strand, the complement: HDAC8 is on the minus strand). VCF-style: chrX-72488953-T-A. GRCh37 (hg19) VCF-style: chrX-71708803-T-A.
Other names: c.717A>T, p.Lys239Asn (NM_001410725.1, NM_001410729.1, NM_001166419.2); c.639A>T, p.Lys213Asn (NM_001410727.1, NM_001410730.1); c.444A>T, p.Lys148Asn (NM_001410728.1, NM_001166418.2); c.366A>T, p.Lys122Asn (NM_001166448.2); short protein forms K122N, K148N, K213N, K239N.
Identifiers: ClinVar variation 1721895 (VCV001721895.5), dbSNP rs1342583087, ClinGen allele CA413638930.